The following is an entry in ClinVar:

NM_001429.4(EP300):c.320A>G (p.Gln107Arg)

Gene: EP300 (EP300 lysine acetyltransferase; plus strand). Cytogenetic location: 22q13.2.
Variant type: single nucleotide variant.
Coding change: c.320A>G on transcript NM_001429.4 (MANE Select); coding-DNA position 320, A replaced by G.
Protein change: p.Gln107Arg; replaces glutamine 107 with arginine.
Molecular consequence: missense variant.
Genome position (GRCh38, 1-based): chr22:41,117,412, A>G. VCF-style: chr22-41117412-A-G. GRCh37 (hg19) VCF-style: chr22-41513416-A-G.
Other names: c.320A>G, p.Gln107Arg (NM_001362843.2); short protein forms Q107R.
Identifiers: ClinVar variation 2011925 (VCV002011925.4), dbSNP rs2145696747, ClinGen allele CA411680293.

ClinVar aggregate classification (germline): Uncertain significance (1 of 4 stars; one submission).

Conditions:
Rubinstein-Taybi syndrome due to EP300 haploinsufficiency. Also called: EP300-Related Rubinstein-Taybi Syndrome; RUBINSTEIN-TAYBI SYNDROME 2. Identifiers: Orphanet 353284, Orphanet 783, MedGen C3150941, MONDO:0013364, OMIM 613684.

Submission:

Labcorp Genetics (formerly Invitae), Labcorp
Classification: Uncertain significance for Rubinstein-Taybi syndrome due to EP300 haploinsufficiency. Last evaluated: 2022-06-28. Review status: criteria provided, single submitter. Criteria: Invitae Variant Classification Sherloc (09022015). Collection method: clinical testing. Allele origin: germline.
Comment: Advanced modeling of protein sequence and biophysical properties (such as structural, functional, and spatial information, amino acid conservation, physicochemical variation, residue mobility, and thermodynamic stability) performed at Invitae indicates that this missense variant is not expected to disrupt EP300 protein function. This variant has not been reported in the literature in individuals affected with EP300-related conditions. This variant is not present in population databases (gnomAD no frequency). This sequence change replaces glutamine, which is neutral and polar, with arginine, which is basic and polar, at codon 107 of the EP300 protein (p.Gln107Arg). In summary, the available evidence is currently insufficient to determine the role of this variant in disease. Therefore, it has been classified as a Variant of Uncertain Significance.